The following is an entry in ClinVar:

NM_000061.3(BTK):c.*192G>A

Gene: BTK (Bruton tyrosine kinase; minus strand). Cytogenetic location: Xq22.1.
Variant type: single nucleotide variant.
Coding change: c.*192G>A on transcript NM_000061.3 (MANE Select); 192 bases downstream of the stop codon, G replaced by A.
Molecular consequence: 3 prime UTR variant.
Genome position (GRCh38, 1-based): chrX:101,349,693, C>T on the plus strand (G>A on the coding strand, the complement: BTK is on the minus strand). VCF-style: chrX-101349693-C-T. GRCh37 (hg19) VCF-style: chrX-100604681-C-T.
Other names: c.*192G>A (NM_001287344.2, NM_001287345.2).
Identifiers: ClinVar variation 367693 (VCV000367693.6), dbSNP rs1057403, ClinGen allele CA10653714.

ClinVar aggregate classification (germline): Benign. Review status: criteria provided, multiple submitters, no conflicts (2 of 4 stars). 3 submissions from 2 submitters: Benign (3). Last evaluated 2017-04-27.

Conditions:
X-linked agammaglobulinemia with growth hormone deficiency (IGHD3). Also called: ISOLATED GROWTH HORMONE DEFICIENCY, TYPE III, WITH AGAMMAGLOBULINEMIA; AGAMMAGLOBULINEMIA AND ISOLATED GROWTH HORMONE DEFICIENCY, X-LINKED; FLEISHER SYNDROME; HYPOGAMMAGLOBULINEMIA AND ISOLATED GROWTH HORMONE DEFICIENCY, X-LINKED; IGHD III; Isolated growth hormone deficiency type 3. Identifiers: Orphanet 231692, Orphanet 631, MedGen C0472813, MONDO:0010615, OMIM 307200.
X-linked agammaglobulinemia (XLA). Also called: Bruton-type agammaglobulinemia; Agammaglobulinemia, Bruton tyrosine kinase; Agammaglobulinemia, BTK; BTK-deficiency; IMMUNODEFICIENCY 1; Bruton's agammaglobulinemia. Identifiers: Orphanet 229717, Orphanet 47, MedGen C0221026, MONDO:0010421, OMIM 300755.

Allele frequency attached by ClinVar (database versions not stated): gnomAD 0.32006 and 0.32168; TOPMed 0.35502; 1000 Genomes Project 0.45616; 1000 Genomes Project 30x 0.46493.
gnomAD v4.1: 113,898 of 442,227 alleles (26%); highest among the groups gnomAD compares: African/African-American, 63%; 14,552 homozygotes.

Submissions (3):

Illumina Laboratory Services, Illumina
Classification: Benign for X-linked agammaglobulinemia. Last evaluated: 2017-04-27. Review status: criteria provided, single submitter. Criteria: ICSL Variant Classification Criteria 13 December 2019. Collection method: clinical testing. Allele origin: germline.
Comment: This variant was observed as part of a predisposition screen in an ostensibly healthy population. A literature search was performed for the gene, cDNA change, and amino acid change (where applicable). No publications were found based on this search. Allele frequency data from public databases was too high to be consistent with this variant causing disease. Therefore, this variant is classified as benign.

Illumina Laboratory Services, Illumina
Classification: Benign for X-linked agammaglobulinemia with growth hormone deficiency. Last evaluated: 2017-04-27. Review status: criteria provided, single submitter. Criteria: ICSL Variant Classification Criteria 13 December 2019. Collection method: clinical testing. Allele origin: germline.
Comment: the same text as in the submission from Illumina Laboratory Services, Illumina above.

Breakthrough Genomics
Classification: Benign. Review status: criteria provided, single submitter. Criteria: ACMG Guidelines, 2015. Collection method: not provided. Allele origin: germline. Inheritance: X-linked inheritance. Affected: yes.